The following is an entry in ClinVar:

ClinVar aggregate classification (germline): Uncertain significance (1 of 4 stars; one submission).

Conditions:
Developmental and epileptic encephalopathy, 42 (DEE42A). Also called: Epileptic encephalopathy, early infantile, 42; DEVELOPMENTAL AND EPILEPTIC ENCEPHALOPATHY 42A; EPILEPTIC ENCEPHALOPATHY, EARLY INFANTILE, 42A. Identifiers: MedGen C4310716, MONDO:0014917, OMIM 617106.
Episodic ataxia type 2 (EA2). Also called: ATAXIA, EPISODIC, WITH NYSTAGMUS; ATAXIA, FAMILIAL PAROXYSMAL; CEREBELLAR ATAXIA, PAROXYSMAL, ACETAZOLAMIDE-RESPONSIVE; CEREBELLOPATHY, HEREDITARY PAROXYSMAL; EPISODIC ATAXIA, NYSTAGMUS-ASSOCIATED; ACETAZOLAMIDE-RESPONSIVE HEREDITARY PAROXYSMAL CEREBELLAR ATAXIA. Identifiers: Orphanet 97, MedGen C1720416, MONDO:0007163, OMIM 108500.

Submission:

Labcorp Genetics (formerly Invitae), Labcorp
Classification: Uncertain significance for Developmental and epileptic encephalopathy, 42; Episodic ataxia type 2. Last evaluated: 2021-04-28. Review status: criteria provided, single submitter. Criteria: Invitae Variant Classification Sherloc (09022015). Collection method: clinical testing. Allele origin: germline.
Comment: Algorithms developed to predict the effect of sequence changes on RNA splicing suggest that this variant may create or strengthen a splice site, but this prediction has not been confirmed by published transcriptional studies. In summary, the available evidence is currently insufficient to determine the role of this variant in disease. Therefore, it has been classified as a Variant of Uncertain Significance. Advanced modeling of protein sequence and biophysical properties (such as structural, functional, and spatial information, amino acid conservation, physicochemical variation, residue mobility, and thermodynamic stability) performed at Invitae indicates that this missense variant is not expected to disrupt CACNA1A protein function. This variant has not been reported in the literature in individuals with CACNA1A-related conditions. This variant is not present in population databases (ExAC no frequency). This sequence change replaces alanine with valine at codon 880 of the CACNA1A protein (p.Ala880Val). The alanine residue is weakly conserved and there is a small physicochemical difference between alanine and valine.

NM_001127222.2(CACNA1A):c.2636C>T (p.Ala879Val)

Gene: CACNA1A (calcium voltage-gated channel subunit alpha1 A; minus strand). Cytogenetic location: 19p13.13.
Variant type: single nucleotide variant.
Coding change: c.2636C>T on transcript NM_001127222.2 (MANE Select); coding-DNA position 2636, C replaced by T.
Protein change: p.Ala879Val; replaces alanine 879 with valine.
Molecular consequence: missense variant.
Genome position (GRCh38, 1-based): chr19:13,298,997, G>A on the plus strand (C>T on the coding strand, the complement: CACNA1A is on the minus strand). VCF-style: chr19-13298997-G-A. GRCh37 (hg19) VCF-style: chr19-13409811-G-A.
Other names: c.2648C>T, p.Ala883Val (NM_000068.4, NM_023035.3); c.2639C>T, p.Ala880Val (NM_001127221.2, NM_001174080.2); short protein forms A880V, A879V, A883V.
Identifiers: ClinVar variation 1346135 (VCV001346135.8), dbSNP rs2057732636, ClinGen allele CA404343029.
Genomic context (GRCh38, chr19:13,298,997, plus strand): 5'-CGGCCGTAGGGTCCCTCCCGGCTCAGCTCGGCCTCCTGGCTTCCCGCCCAGGGCCTCCGT[G>A]CGTCCAGGCCCGCCGAGCCGCTGGGGTCCCGGGCCCGATCGTGGTAGCGGGCCTGTTTCC-3'
Protein context (NP_001120694.1, residues 869-889): RDPSGSAGLD[Ala879Val]RRPWAGSQEA